The following is an entry in ClinVar:

ClinVar aggregate classification (germline): Uncertain significance (1 of 4 stars; one submission).

Conditions:
MEGF10-related myopathy (CMYO10A). Also called: Congenital myopathy 10A, severe variant. Identifiers: Orphanet 439212, MedGen C3280679, MONDO:0013731, OMIM 614399.

Allele frequency attached by ClinVar (database versions not stated): gnomAD exomes below 0.00001.
gnomAD v4.1: 1 of 1,614,116 alleles (0.000062%); highest among the groups gnomAD compares: South Asian, 0.0011%; no homozygotes.

Submission:

Labcorp Genetics (formerly Invitae), Labcorp
Classification: Uncertain significance for MEGF10-related myopathy. Last evaluated: 2022-04-19. Review status: criteria provided, single submitter. Criteria: Invitae Variant Classification Sherloc (09022015). Collection method: clinical testing. Allele origin: germline.
Comment: In summary, the available evidence is currently insufficient to determine the role of this variant in disease. Therefore, it has been classified as a Variant of Uncertain Significance. Algorithms developed to predict the effect of missense changes on protein structure and function (SIFT, PolyPhen-2, Align-GVGD) all suggest that this variant is likely to be disruptive. This variant has not been reported in the literature in individuals affected with MEGF10-related conditions. This variant is not present in population databases (gnomAD no frequency). This sequence change replaces lysine, which is basic and polar, with arginine, which is basic and polar, at codon 667 of the MEGF10 protein (p.Lys667Arg).

NM_001256545.2(MEGF10):c.2000A>G (p.Lys667Arg)

Gene: MEGF10 (multiple EGF like domains 10; plus strand). Cytogenetic location: 5q23.2.
Variant type: single nucleotide variant.
Coding change: c.2000A>G on transcript NM_001256545.2 (MANE Select); coding-DNA position 2000, A replaced by G.
Protein change: p.Lys667Arg; replaces lysine 667 with arginine.
Molecular consequence: missense variant.
Genome position (GRCh38, 1-based): chr5:127,435,385, A>G. VCF-style: chr5-127435385-A-G. GRCh37 (hg19) VCF-style: chr5-126771077-A-G.
Other names: c.2000A>G, p.Lys667Arg (NM_032446.3); short protein forms K667R.
Identifiers: ClinVar variation 1360307 (VCV001360307.8), dbSNP rs2127003826, ClinGen allele CA360732512.